The following is an entry in ClinVar:

NM_004168.4(SDHA):c.1159G>C (p.Ala387Pro)

Gene: SDHA (succinate dehydrogenase complex flavoprotein subunit A; plus strand). Cytogenetic location: 5p15.33.
Variant type: single nucleotide variant.
Coding change: c.1159G>C on transcript NM_004168.4 (MANE Select); coding-DNA position 1159, G replaced by C.
Protein change: p.Ala387Pro; replaces alanine 387 with proline.
Molecular consequence: missense variant.
Genome position (GRCh38, 1-based): chr5:235,238, G>C. VCF-style: chr5-235238-G-C. GRCh37 (hg19) VCF-style: chr5-235353-G-C.
Other names: c.1015G>C, p.Ala339Pro (NM_001294332.2); c.1159G>C, p.Ala387Pro (NM_001330758.2); c.1159G>C (NM_004168.2); short protein forms A387P, A339P.
Identifiers: ClinVar variation 4789757 (VCV004789757.2).
Genomic context (GRCh38, chr5:235,238, plus strand): 5'-CAGCTGCACCACCTACCTCCAGAGCAGCTGGCCACGCGCCTGCCTGGCATTTCAGAGACA[G>C]CCATGATCTTCGCTGGCGTGGACGTCACGAAGGAGCCGATCCCTGTCCTCCCCACCGTGC-3'
Protein context (NP_004159.2, residues 377-397): ATRLPGISET[Ala387Pro]MIFAGVDVTK

ClinVar aggregate classification (germline): Uncertain significance. Review status: criteria provided, multiple submitters, no conflicts (2 of 4 stars). 2 submissions from 2 submitters: Uncertain significance (2). Last evaluated 2026-07-06.

Conditions:
Hereditary cancer-predisposing syndrome. Also called: Hereditary Cancer Syndrome; Hereditary neoplastic syndrome; Neoplastic Syndromes, Hereditary; Tumor predisposition. Identifiers: Orphanet 140162, MedGen C0027672, MeSH D009386, MONDO:0015356.
Pheochromocytoma/paraganglioma syndrome 5. Also called: Paragangliomas 5; SDHA-Related Hereditary Paraganglioma-Pheochromocytoma Syndrome. Identifiers: Orphanet 29072, MedGen C3279992, MONDO:0013602, OMIM 614165.
Mitochondrial complex II deficiency, nuclear type 1. Also called: SUCCINATE CoQ REDUCTASE DEFICIENCY. Identifiers: Orphanet 3208, MedGen C5700310, MONDO:0100294, OMIM 252011.

Submissions (2):

Ambry Genetics
Classification: Uncertain significance for Hereditary cancer-predisposing syndrome. Last evaluated: 2026-07-06. Review status: criteria provided, single submitter. Criteria: Ambry Variant Classification Scheme 2023. Collection method: clinical testing. Allele origin: germline.
Comment: The p.A387P variant (also known as c.1159G>C), located in coding exon 9 of the SDHA gene, results from a G to C substitution at nucleotide position 1159. The alanine at codon 387 is replaced by proline, an amino acid with highly similar properties. This amino acid position is conserved. In addition, this alteration is predicted to be deleterious by in silico analysis. Based on the available evidence, the clinical significance of this variant remains unclear.

Labcorp Genetics (formerly Invitae), Labcorp
Classification: Uncertain significance for Pheochromocytoma/paraganglioma syndrome 5; Mitochondrial complex II deficiency, nuclear type 1. Last evaluated: 2025-02-18. Review status: criteria provided, single submitter. Criteria: Invitae Variant Classification Sherloc (09022015). Collection method: clinical testing. Allele origin: germline.
Comment: This sequence change replaces alanine, which is neutral and non-polar, with proline, which is neutral and non-polar, at codon 387 of the SDHA protein (p.Ala387Pro). This variant is not present in population databases (gnomAD no frequency). This variant has not been reported in the literature in individuals affected with SDHA-related conditions. Invitae Evidence Modeling of protein sequence and biophysical properties (such as structural, functional, and spatial information, amino acid conservation, physicochemical variation, residue mobility, and thermodynamic stability) has been performed for this missense variant. However, the output from this modeling did not meet the statistical confidence thresholds required to predict the impact of this variant on SDHA protein function. In summary, the available evidence is currently insufficient to determine the role of this variant in disease. Therefore, it has been classified as a Variant of Uncertain Significance.